The following is an entry in ClinVar:

ClinVar aggregate classification (germline): Pathogenic/Likely pathogenic. Review status: criteria provided, multiple submitters, no conflicts (2 of 4 stars). 3 submissions from 3 submitters: Pathogenic (2); Likely pathogenic (1). Last evaluated 2025-03-18.

Conditions:
Developmental and epileptic encephalopathy, 32 (DEE32). Also called: Epileptic encephalopathy, early infantile, 32. Identifiers: Orphanet 442835, MedGen C4225350, MONDO:0014607, OMIM 616366.

Submissions (3):

GeneDx
Classification: Pathogenic. Last evaluated: 2025-03-18. Review status: criteria provided, single submitter. Criteria: GeneDx Variant Classification Process June 2021. Collection method: clinical testing. Allele origin: germline. Affected: yes.
Comment: Not observed at significant frequency in large population cohorts (gnomAD); In silico analysis supports that this missense variant has a deleterious effect on protein structure/function; Has not been previously published as pathogenic or benign to our knowledge

Labcorp Genetics (formerly Invitae), Labcorp
Classification: Pathogenic for Developmental and epileptic encephalopathy, 32. Last evaluated: 2024-01-15. Review status: criteria provided, single submitter. Criteria: Invitae Variant Classification Sherloc (09022015). Collection method: clinical testing. Allele origin: germline.
Comment: This sequence change replaces threonine, which is neutral and polar, with isoleucine, which is neutral and non-polar, at codon 373 of the KCNA2 protein (p.Thr373Ile). This variant is not present in population databases (gnomAD no frequency). This missense change has been observed in individual(s) with clinical features of autosomal dominant KCNA2-related conditions (Invitae). In at least one individual the variant was observed to be de novo. ClinVar contains an entry for this variant (Variation ID: 452594). Advanced modeling of protein sequence and biophysical properties (such as structural, functional, and spatial information, amino acid conservation, physicochemical variation, residue mobility, and thermodynamic stability) performed at Invitae indicates that this missense variant is expected to disrupt KCNA2 protein function with a positive predictive value of 80%. For these reasons, this variant has been classified as Pathogenic.

Mendelics
Classification: Likely pathogenic for Developmental and epileptic encephalopathy, 32. Last evaluated: 2019-05-28. Review status: criteria provided, single submitter. Criteria: Mendelics Assertion Criteria 2017. Collection method: clinical testing. Allele origin: unknown.

NM_004974.4(KCNA2):c.1118C>T (p.Thr373Ile)

Gene: KCNA2 (potassium voltage-gated channel subfamily A member 2; minus strand). Cytogenetic location: 1p13.3.
Variant type: single nucleotide variant.
Coding change: c.1118C>T on transcript NM_004974.4 (MANE Select); coding-DNA position 1118, C replaced by T.
Protein change: p.Thr373Ile; replaces threonine 373 with isoleucine.
Molecular consequence: missense variant. On other transcripts: intron variant (1).
Genome position (GRCh38, 1-based): chr1:110,603,665, G>A on the plus strand (C>T on the coding strand, the complement: KCNA2 is on the minus strand). VCF-style: chr1-110603665-G-A. GRCh37 (hg19) VCF-style: chr1-111146287-G-A.
Other names: c.894+224C>T (NM_001204269.2); short protein forms T373I.
Identifiers: ClinVar variation 452594 (VCV000452594.18), dbSNP rs1553181282, ClinGen allele CA341601766.